The following is an entry in ClinVar:

NM_004606.5(TAF1):c.4397C>T (p.Ser1466Leu)

Gene: TAF1 (TATA-box binding protein associated factor 1; plus strand). Cytogenetic location: Xq13.1.
Variant type: single nucleotide variant.
Coding change: c.4397C>T on transcript NM_004606.5 (MANE Select); coding-DNA position 4397, C replaced by T.
Protein change: p.Ser1466Leu; replaces serine 1466 with leucine.
Molecular consequence: missense variant. On other transcripts: non-coding transcript variant (9).
Genome position (GRCh38, 1-based): chrX:71,421,321, C>T. VCF-style: chrX-71421321-C-T. GRCh37 (hg19) VCF-style: chrX-70641171-C-T.
Other names: c.4397C>T, p.Ser1466Leu (NM_001286074.2); c.4334C>T, p.Ser1445Leu (NM_138923.4); short protein forms S1445L, S1466L.
Identifiers: ClinVar variation 3731187 (VCV003731187.1).

ClinVar aggregate classification (germline): Uncertain significance (1 of 4 stars; one submission).

Submission:

GeneDx
Classification: Uncertain significance. Last evaluated: 2024-08-13. Review status: criteria provided, single submitter. Criteria: GeneDx Variant Classification Process June 2021. Collection method: clinical testing. Allele origin: germline. Affected: yes.
Comment: Not observed at significant frequency in large population cohorts (gnomAD); In silico analysis supports that this missense variant has a deleterious effect on protein structure/function; Has not been previously published as pathogenic or benign to our knowledge